The following is an entry in ClinVar:

ClinVar aggregate classification (germline): Uncertain significance. Review status: criteria provided, multiple submitters, no conflicts (2 of 4 stars). 6 submissions from 6 submitters: Uncertain significance (5). 1 of the submissions does not count toward it. Last evaluated 2026-06-03.

Conditions:
Glycogen storage disease, type II (IOPD). Also called: Pompe Disease; CARDIOMEGALIA GLYCOGENICA DIFFUSA; GSD II; GLYCOGENOSIS, GENERALIZED, CARDIAC FORM; Glycogen storage disease type 2; Acid maltase deficiency disease. Identifiers: Orphanet 365, MedGen C0017921, MONDO:0009290, OMIM 232300.

Allele frequency attached by ClinVar (database versions not stated): ExAC 0.00004; gnomAD exomes 0.00004; TOPMed 0.00005; gnomAD 0.00006.
gnomAD v4.1: 51 of 1,612,836 alleles (0.0032%); highest among the groups gnomAD compares: Admixed American, 0.012%; no homozygotes.

Submissions (6):

GeneDx
Classification: Uncertain significance. Last evaluated: 2026-06-03. Review status: criteria provided, single submitter. Criteria: GeneDx Variant Classification Process June 2021. Collection method: clinical testing. Allele origin: germline.
Comment: Reported in a cohort of patients with limb girdle muscular weakness; however, no further clinical and segregation details were provided (PMID: 39678382); In silico analysis suggests that this missense variant does not alter protein structure/function; This variant is associated with the following publications: (PMID: 22253258, 39678382)

Myriad Genetics, Inc.
Classification: Uncertain significance for Glycogen storage disease, type II. Last evaluated: 2026-01-15. Review status: criteria provided, single submitter. Criteria: Myriad Autosomal Dominant, Autosomal Recessive and X-Linked Classification Criteria (2023). Collection method: clinical testing. Allele origin: unknown.
Comment: NM_000152.3(GAA):c.43G>A(V15I) is a missense variant classified as a variant of uncertain significance in the context of Pompe disease. V15I has not been observed in cases with relevant disease. Relevant functional assessments of this variant are not available in the literature. V15I has been observed in referenced population frequency databases. In summary, there is insufficient evidence to classify NM_000152.3(GAA):c.43G>A(V15I) as pathogenic or benign. Please note: this variant was assessed in the context of healthy population screening.

CeGaT Center for Human Genetics Tuebingen
Classification: Uncertain significance. Last evaluated: 2025-07-01. Review status: criteria provided, single submitter. Criteria: CeGaT Center For Human Genetics Tuebingen Variant Classification Criteria Version 2. Collection method: clinical testing. Allele origin: germline. Affected: yes. Observed: 1 variant allele.
Comment: GAA: PM2, BP4

Revvity Omics, Revvity
Classification: Uncertain significance. Last evaluated: 2025-06-16. Review status: criteria provided, single submitter. Criteria: ACMG Guidelines, 2015. Collection method: clinical testing. Allele origin: germline.

Labcorp Genetics (formerly Invitae), Labcorp
Classification: Uncertain significance for Glycogen storage disease, type II. Last evaluated: 2022-08-31. Review status: criteria provided, single submitter. Criteria: Invitae Variant Classification Sherloc (09022015). Collection method: clinical testing. Allele origin: germline.
Comment: This sequence change replaces valine, which is neutral and non-polar, with isoleucine, which is neutral and non-polar, at codon 15 of the GAA protein (p.Val15Ile). This variant is present in population databases (rs772157487, gnomAD 0.02%). This variant has not been reported in the literature in individuals affected with GAA-related conditions. ClinVar contains an entry for this variant (Variation ID: 582226). Advanced modeling of protein sequence and biophysical properties (such as structural, functional, and spatial information, amino acid conservation, physicochemical variation, residue mobility, and thermodynamic stability) performed at Invitae indicates that this missense variant is not expected to disrupt GAA protein function. In summary, the available evidence is currently insufficient to determine the role of this variant in disease. Therefore, it has been classified as a Variant of Uncertain Significance.

Natera, Inc.
Classification: Uncertain significance for Glycogen storage disease type II. Last evaluated: 2019-10-28. Review status: no assertion criteria provided. Collection method: clinical testing. Allele origin: germline. Not counted in ClinVar's aggregate classification.

NM_000152.5(GAA):c.43G>A (p.Val15Ile)

Gene: GAA (alpha glucosidase; plus strand). Cytogenetic location: 17q25.3.
Variant type: single nucleotide variant.
Coding change: c.43G>A on transcript NM_000152.5 (MANE Select); coding-DNA position 43, G replaced by A.
Protein change: p.Val15Ile; replaces valine 15 with isoleucine.
Molecular consequence: missense variant.
Genome position (GRCh38, 1-based): chr17:80,104,629, G>A. VCF-style: chr17-80104629-G-A. GRCh37 (hg19) VCF-style: chr17-78078428-G-A.
Other names: c.43G>A, p.Val15Ile (NM_001079803.3, NM_001079804.3); c.43G>A (LRG_673t1); short protein forms V15I.
Identifiers: ClinVar variation 582226 (VCV000582226.21), dbSNP rs772157487, ClinGen allele CA8814768.